The following is an entry in ClinVar:

ClinVar aggregate classification (germline): Pathogenic (1 of 4 stars; one submission).

Conditions:
Joubert syndrome and related disorders. Identifiers: Orphanet 140874, MedGen C5679612, MONDO:0015369.

Submission:

Myriad Genetics, Inc.
Classification: Pathogenic for Joubert syndrome and related disorders. Last evaluated: 2025-03-01. Review status: criteria provided, single submitter. Criteria: Myriad Autosomal Dominant, Autosomal Recessive and X-Linked Classification Criteria (2023). Collection method: clinical testing. Allele origin: unknown.
Comment: NM_001080522.2(CC2D2A):c.327delA(A110Qfs*42) is expected to be pathogenic in the context of CC2D2A-related disorders. This variant is predicted to lead to an abnormal or absent protein product due to the creation of a premature termination codon in CC2D2A, a gene where loss-of-function variants are known to be pathogenic. Please note: this variant was assessed in the context of healthy population screening.

NM_001378615.1(CC2D2A):c.327del (p.Ala110fs)

Genes: CC2D2A (coiled-coil and C2 domain containing 2A; plus strand), FBXL5 (F-box and leucine rich repeat protein 5; minus strand). Cytogenetic location: 4p15.32.
Variant type: Deletion.
Coding change: c.327del on transcript NM_001378615.1 (MANE Select); coding-DNA position 327, one base deleted (A; older notation c.327delA).
Protein change: p.Ala110fs; shifts the reading frame from alanine 110.
Molecular consequence: frameshift variant.
Genome position (GRCh38, 1-based): chr4:15,502,508, A deleted; the last of 2 consecutive A bases (chr4:15,502,507-15,502,508); deleting either gives the same sequence. VCF-style (leftmost placement, unchanged base first): chr4-15502506-CA-C. GRCh37 (hg19) VCF-style: chr4-15504129-CA-C.
Other names: c.327del, p.Ala110fs (NM_001080522.2); c.180del, p.Ala61fs (NM_001378617.1); short protein forms A110fs, A61fs.
Identifiers: ClinVar variation 5014153 (VCV005014153.1).